The following is an entry in ClinVar:

NM_018972.4(GDAP1):c.95C>T (p.Thr32Met)

Genes: GDAP1 (ganglioside induced differentiation associated protein 1; plus strand), LOC130000622 (ATAC-STARR-seq lymphoblastoid active region 27542; plus strand). Cytogenetic location: 8q21.11.
Variant type: single nucleotide variant.
Coding change: c.95C>T on transcript NM_018972.4 (MANE Select); coding-DNA position 95, C replaced by T.
Protein change: p.Thr32Met; replaces threonine 32 with methionine.
Molecular consequence: missense variant. On other transcripts: 5 prime UTR variant (2), intron variant (1).
Genome position (GRCh38, 1-based): chr8:74,350,556, C>T. VCF-style: chr8-74350556-C-T. GRCh37 (hg19) VCF-style: chr8-75262791-C-T.
Other names: c.-88C>T (NM_001362929.2); c.95C>T, p.Thr32Met (NM_001362930.2, NM_001362931.2); c.-40C>T (NM_001362932.2); c.-64+84C>T (NM_001040875.4); short protein forms T32M.
Identifiers: ClinVar variation 3764336 (VCV003764336.2).
Genomic context (GRCh38, chr8:74,350,556, plus strand): 5'-CGCCCTTGAGGGCGGAAGGCAAGGCCGACGCGGAGGTTAAGCTCATTCTGTACCATTGGA[C>T]GCATTCCTTCAGCTCTCAAAAGGTACAACAGGCCTTGGCGGCGGAGGGTGGCGCGGATCG-3'
Protein context (NP_061845.2, residues 22-42): AEVKLILYHW[Thr32Met]HSFSSQKVRL

ClinVar aggregate classification (germline): Uncertain significance (1 of 4 stars; one submission).

gnomAD v4.1: 1 of 1,606,268 alleles (0.000062%); highest among the groups gnomAD compares: Non-Finnish European, 0.000085%; no homozygotes.

Submission:

GeneDx
Classification: Uncertain significance. Last evaluated: 2025-07-10. Review status: criteria provided, single submitter. Criteria: GeneDx Variant Classification Process June 2021. Collection method: clinical testing. Allele origin: germline.
Comment: Not observed at significant frequency in large population cohorts (gnomAD); In silico analysis suggests that this missense variant does not alter protein structure/function; Has not been previously published as pathogenic or benign to our knowledge; This variant is associated with the following publications: (PMID: 23628762, 20685671, 20849849)